The following is an entry in ClinVar:

ClinVar aggregate classification (germline): Pathogenic (1 of 4 stars; one submission).

gnomAD v4.1: 1 of 1,560,666 alleles (0.000064%); highest among the groups gnomAD compares: Non-Finnish European, 0.000086%; no homozygotes.

Submission:

GeneDx
Classification: Pathogenic. Last evaluated: 2026-09-30. Review status: criteria provided, single submitter. Criteria: GeneDx Variant Classification Process June 2021. Collection method: clinical testing. Allele origin: germline.
Comment: Nonsense variant predicted to result in protein truncation or nonsense mediated decay in a gene for which loss of function is a known mechanism of disease; Not observed at significant frequency in large population cohorts (gnomAD); This variant is associated with the following publications: (PMID: 31941532, 28191890, 32368696, 28991257, 23665959, 37840956, 40127276)

NM_057175.5(NAA15):c.2282C>A (p.Ser761Ter)

Gene: NAA15 (N-alpha-acetyltransferase 15, NatA auxiliary subunit; plus strand). Cytogenetic location: 4q31.1.
Variant type: single nucleotide variant.
Coding change: c.2282C>A on transcript NM_057175.5 (MANE Select); coding-DNA position 2282, C replaced by A.
Protein change: p.Ser761Ter; replaces serine 761 with a stop codon.
Molecular consequence: nonsense.
Genome position (GRCh38, 1-based): chr4:139,384,958, C>A. VCF-style: chr4-139384958-C-A. GRCh37 (hg19) VCF-style: chr4-140306112-C-A.
Other names: c.2279C>A, p.Ser760Ter (NM_001410842.1); short protein forms S760*, S761*.
Identifiers: ClinVar variation 3898841 (VCV003898841.3).
Genomic context (GRCh38, chr4:139,384,958, plus strand): 5'-TTTTTGGAGCAACGAATCCAAAGAATTTTAATGAAACTTTTCTGAAAAGGAATTCTGATT[C>A]ATTGCCACACAGATTATCAGGTAATCACTTTATTTTATCCTTAGCCTTCTAAAACAACTT-3'